The following is an entry in ClinVar:

ClinVar aggregate classification (germline): Uncertain significance. Review status: criteria provided, multiple submitters, no conflicts (2 of 4 stars). 6 submissions from 6 submitters: Uncertain significance (6). Last evaluated 2026-09-15.

Conditions:
Inborn genetic diseases. Identifiers: MedGen C0950123, MeSH D030342.
Autosomal recessive nonsyndromic hearing loss 3. Also called: NEUROSENSORY NONSYNDROMIC RECESSIVE DEAFNESS 3. Identifiers: Orphanet 90636, MedGen C1838263, MONDO:0010860, OMIM 600316.

Allele frequency attached by ClinVar (database versions not stated): ExAC 0.00007; gnomAD exomes 0.00007 and 0.00023; TOPMed 0.00011; gnomAD 0.00014; 1000 Genomes Project 30x 0.00016; 1000 Genomes Project 0.00020.
gnomAD v4.1: 348 of 1,613,770 alleles (0.022%); highest among the groups gnomAD compares: Non-Finnish European, 0.029%; no homozygotes.

Submissions (6):

GeneDx
Classification: Uncertain significance. Last evaluated: 2026-09-15. Review status: criteria provided, single submitter. Criteria: GeneDx Variant Classification Process June 2021. Collection method: clinical testing. Allele origin: germline.
Comment: In silico analysis suggests that this missense variant does not alter protein structure/function; Has not been previously published as pathogenic or benign to our knowledge

Ambry Genetics
Classification: Uncertain significance for Inborn genetic diseases. Last evaluated: 2026-04-01. Review status: criteria provided, single submitter. Criteria: Ambry Variant Classification Scheme 2023. Collection method: clinical testing. Allele origin: germline.

Labcorp Genetics (formerly Invitae), Labcorp
Classification: Uncertain significance. Last evaluated: 2026-01-17. Review status: criteria provided, single submitter. Criteria: Invitae Variant Classification Sherloc (09022015). Collection method: clinical testing. Allele origin: germline.
Comment: This sequence change replaces valine, which is neutral and non-polar, with isoleucine, which is neutral and non-polar, at codon 3258 of the MYO15A protein (p.Val3258Ile). This variant is present in population databases (rs79745502, gnomAD 0.02%). This variant has not been reported in the literature in individuals affected with MYO15A-related conditions. ClinVar contains an entry for this variant (Variation ID: 322179). Invitae Evidence Modeling of protein sequence and biophysical properties (such as structural, functional, and spatial information, amino acid conservation, physicochemical variation, residue mobility, and thermodynamic stability) indicates that this missense variant is not expected to disrupt MYO15A protein function with a negative predictive value of 95%. In summary, the available evidence is currently insufficient to determine the role of this variant in disease. Therefore, it has been classified as a Variant of Uncertain Significance.

Blueprint Genetics
Classification: Uncertain significance. Last evaluated: 2024-11-07. Review status: criteria provided, single submitter. Criteria: ACMG Guidelines, 2015. Collection method: clinical testing. Allele origin: germline.

Athena Diagnostics
Classification: Uncertain significance. Last evaluated: 2019-02-19. Review status: criteria provided, single submitter. Criteria: Athena Diagnostics Criteria. Collection method: clinical testing. Allele origin: germline.

Illumina Laboratory Services, Illumina
Classification: Uncertain significance for Autosomal recessive nonsyndromic hearing loss 3. Last evaluated: 2018-01-13. Review status: criteria provided, single submitter. Criteria: ICSL Variant Classification Criteria 13 December 2019. Collection method: clinical testing. Allele origin: germline.

NM_016239.4(MYO15A):c.9772G>A (p.Val3258Ile)

Gene: MYO15A (myosin XVA; plus strand). Cytogenetic location: 17p11.2.
Variant type: single nucleotide variant.
Coding change: c.9772G>A on transcript NM_016239.4 (MANE Select); coding-DNA position 9772, G replaced by A.
Protein change: p.Val3258Ile; replaces valine 3258 with isoleucine.
Molecular consequence: missense variant.
Genome position (GRCh38, 1-based): chr17:18,163,823, G>A. VCF-style: chr17-18163823-G-A. GRCh37 (hg19) VCF-style: chr17-18067137-G-A.
Other names: short protein forms V3258I.
Identifiers: ClinVar variation 322179 (VCV000322179.15), dbSNP rs79745502, ClinGen allele CA8425674.